The following is an entry in ClinVar:

ClinVar aggregate classification (germline): Uncertain significance. Review status: criteria provided, multiple submitters, no conflicts (2 of 4 stars). 2 submissions from 2 submitters: Uncertain significance (2). Last evaluated 2026-07-07.

Conditions:
Complement hyperactivation-angiopathic thrombosis-protein-losing enteropathy syndrome. Also called: COMPLEMENT HYPERACTIVATION, ANGIOPATHIC THROMBOSIS, AND PROTEIN-LOSING ENTEROPATHY. Identifiers: Orphanet 566175, MedGen C4538570, MONDO:0009174, OMIM 226300.

Allele frequency attached by ClinVar (database versions not stated): gnomAD 0.00001; gnomAD exomes 0.00004; TOPMed 0.00001; ExAC 0.00008.
gnomAD v4.1: 65 of 1,605,198 alleles (0.004%); highest among the groups gnomAD compares: South Asian, 0.0056%; no homozygotes.

Submissions (2):

Medgenome Labs Ltd
Classification: Uncertain significance for Complement hyperactivation-angiopathic thrombosis-protein-losing enteropathy syndrome. Last evaluated: 2026-07-07. Review status: criteria provided, single submitter. Criteria: ACMG Guidelines, 2015. Collection method: clinical testing. Allele origin: germline. Affected: yes.
Comment: This missense change results in the amino acid substitution of Cysteine for Arginine at codon 357 of the CD55 protein. The p.Arg357Cys variant has not been reported in the literature in individuals affected with CD55-gene related disorder. It is observed to be absent in the 1000 genomes database and has a minor allele frequency of 0.004% in the gnomAD (v4.1) database. The REVEL score for the given missense variant is 0.04, indicative of a benign alteration. In summary, the available evidence is insufficient to determine its pathogenicity. Therefore, this variant is currently classified as Uncertain Significance.

Labcorp Genetics (formerly Invitae), Labcorp
Classification: Uncertain significance. Last evaluated: 2022-05-14. Review status: criteria provided, single submitter. Criteria: Invitae Variant Classification Sherloc (09022015). Collection method: clinical testing. Allele origin: germline.
Comment: This sequence change replaces arginine, which is basic and polar, with cysteine, which is neutral and slightly polar, at codon 357 of the CD55 protein (p.Arg357Cys). This variant is present in population databases (rs778188153, gnomAD 0.02%). This variant has not been reported in the literature in individuals affected with CD55-related conditions. Algorithms developed to predict the effect of missense changes on protein structure and function (SIFT, PolyPhen-2, Align-GVGD) all suggest that this variant is likely to be tolerated. In summary, the available evidence is currently insufficient to determine the role of this variant in disease. Therefore, it has been classified as a Variant of Uncertain Significance.

NM_000574.5(CD55):c.1069C>T (p.Arg357Cys)

Gene: CD55 (CD55 molecule (Cromer blood group); plus strand). Cytogenetic location: 1q32.2.
Variant type: single nucleotide variant.
Coding change: c.1069C>T on transcript NM_000574.5 (MANE Select); coding-DNA position 1069, C replaced by T.
Protein change: p.Arg357Cys; replaces arginine 357 with cysteine.
Molecular consequence: missense variant. On other transcripts: non-coding transcript variant (1).
Genome position (GRCh38, 1-based): chr1:207,339,405, C>T. VCF-style: chr1-207339405-C-T. GRCh37 (hg19) VCF-style: chr1-207512750-C-T.
Other names: c.1069C>T, p.Arg357Cys (NM_001114752.3, NM_001300902.2, NM_001300903.2 and 1 more transcripts); short protein forms R357C.
Identifiers: ClinVar variation 1942790 (VCV001942790.3), dbSNP rs778188153, ClinGen allele CA1368201.
Genomic context (GRCh38, chr1:207,339,405, plus strand): 5'-ATGACTTTAACAAATTTTTGTTGTTAATCCTTTTTTTCCCCTTCGTCTGTAGGTACTACC[C>T]GTCTTCTATCTGGTAAGTTTGGCTCTCAGGCCATTAAAAGAAATTGTTTTCACTGTGGGA-3'
Protein context (NP_000565.1, residues 347-367): KGSGTTSGTT[Arg357Cys]LLSGHTCFTL